The following is an entry in ClinVar:

ClinVar aggregate classification (germline): Likely benign (1 of 4 stars; one submission).

Conditions:
Juvenile polyposis/hereditary hemorrhagic telangiectasia syndrome (JPHT). Also called: JP/HHT SYNDROME; JUVENILE POLYPOSIS WITH HEREDITARY HEMORRHAGIC TELANGIECTASIA; POLYPOSIS, GENERALIZED JUVENILE, WITH PULMONARY ARTERIOVENOUS MALFORMATION; TELANGIECTASIA, HEREDITARY HEMORRHAGIC, WITH JUVENILE POLYPOSIS COLI; Juvenile Polyposis Syndrome / Hereditary Hemorrhagic Telangiectasia (JPS/HHT). Identifiers: Orphanet 2929, MedGen C1832942, MONDO:0008278, OMIM 175050.

Submission:

Myriad Genetics, Inc.
Classification: Likely benign for Juvenile polyposis/hereditary hemorrhagic telangiectasia syndrome. Last evaluated: 2025-03-21. Review status: criteria provided, single submitter. Criteria: Myriad Autosomal Dominant, Autosomal Recessive and X-Linked Classification Criteria (2023). Collection method: clinical testing. Allele origin: unknown.
Comment: This variant is considered likely benign. This variant is intronic and is not expected to impact mRNA splicing.

NM_005359.6(SMAD4):c.1140-8T>C

Gene: SMAD4 (SMAD family member 4; plus strand). Cytogenetic location: 18q21.2.
Variant type: single nucleotide variant.
Coding change: c.1140-8T>C on transcript NM_005359.6 (MANE Select); 8 bases into the intron before coding-DNA position 1140, T replaced by C.
Molecular consequence: intron variant.
Genome position (GRCh38, 1-based): chr18:51,067,011, T>C. VCF-style: chr18-51067011-T-C. GRCh37 (hg19) VCF-style: chr18-48593381-T-C.
Other names: c.1140-8T>C (NM_001407042.1, NM_001407041.1).
Identifiers: ClinVar variation 3903776 (VCV003903776.1).